The following is an entry in ClinVar:

ClinVar aggregate classification (germline): Pathogenic (1 of 4 stars; one submission).

Conditions:
GM3 synthase deficiency (SPDRS). Also called: SALT AND PEPPER MENTAL RETARDATION SYNDROME; SALT AND PEPPER DEVELOPMENTAL REGRESSION SYNDROME; AMISH INFANTILE EPILEPSY SYNDROME. Identifiers: Orphanet 171714, Orphanet 370933, MedGen C1836824, MONDO:0018274, OMIM 609056.

Allele frequency attached by ClinVar (database versions not stated): gnomAD 0.00001; ESP Exome Variant Server 0.00008.
gnomAD v4.1: 2 of 1,614,120 alleles (0.00012%); highest among the groups gnomAD compares: African/African-American, 0.0027%; no homozygotes.

Submission:

Labcorp Genetics (formerly Invitae), Labcorp
Classification: Pathogenic for GM3 synthase deficiency. Last evaluated: 2023-06-20. Review status: criteria provided, single submitter. Criteria: Invitae Variant Classification Sherloc (09022015). Collection method: clinical testing. Allele origin: germline.
Comment: This variant is not present in population databases (gnomAD no frequency). This sequence change creates a premature translational stop signal (p.Tyr111*) in the ST3GAL5 gene. It is expected to result in an absent or disrupted protein product. Loss-of-function variants in ST3GAL5 are known to be pathogenic (PMID: 15502825, 22990144, 27232954). This variant has not been reported in the literature in individuals affected with ST3GAL5-related conditions. For these reasons, this variant has been classified as Pathogenic. Algorithms developed to predict the effect of sequence changes on RNA splicing suggest that this variant may disrupt the consensus splice site. ClinVar contains an entry for this variant (Variation ID: 1075960).

Literature cited by the submitters: PubMed 15502825; PubMed 22990144; PubMed 27232954.

NM_003896.4(ST3GAL5):c.333T>G (p.Tyr111Ter)

Gene: ST3GAL5 (ST3 beta-galactoside alpha-2,3-sialyltransferase 5; minus strand). Cytogenetic location: 2p11.2.
Variant type: single nucleotide variant.
Coding change: c.333T>G on transcript NM_003896.4 (MANE Select); coding-DNA position 333, T replaced by G.
Protein change: p.Tyr111Ter; replaces tyrosine 111 with a stop codon.
Molecular consequence: nonsense. On other transcripts: 5 prime UTR variant (7).
Genome position (GRCh38, 1-based): chr2:85,848,190, A>C on the plus strand (T>G on the coding strand, the complement: ST3GAL5 is on the minus strand). VCF-style: chr2-85848190-A-C. GRCh37 (hg19) VCF-style: chr2-86075313-A-C.
Other names: c.333T>G, p.Tyr111Ter (NM_001363847.1); c.264T>G, p.Tyr88Ter (NM_001042437.2); c.-52T>G (NM_001354223.2, NM_001354224.2, NM_001354226.2 and 3 more transcripts); c.249T>G, p.Tyr83Ter (NM_001354227.2, NM_001354229.2, NM_001354238.1); c.-572T>G (NM_001354247.1); short protein forms Y111*, Y83*, Y88*.
Identifiers: ClinVar variation 1075960 (VCV001075960.8), dbSNP rs368298013, ClinGen allele CA51329303.
Genomic context (GRCh38, chr2:85,848,190, plus strand): 5'-CAGCGCCATTGATGTCTTGGCAAACTTGGGACGACATTCCTTCTGCAAGACTTGCTGAGC[A>C]TATTTCTGAGCTCTCTGGAATGAAATCACACCAATCTGGGTTTTAAAAACTCTCCTGCAT-3'